The following is an entry in ClinVar:

NM_000179.3(MSH6):c.283T>A (p.Leu95Met)

Gene: MSH6 (mutS homolog 6; plus strand). Cytogenetic location: 2p16.3.
Variant type: single nucleotide variant.
Coding change: c.283T>A on transcript NM_000179.3 (MANE Select); coding-DNA position 283, T replaced by A.
Protein change: p.Leu95Met; replaces leucine 95 with methionine.
Molecular consequence: missense variant. On other transcripts: 5 prime UTR variant (21), non-coding transcript variant (5), intron variant (5).
Genome position (GRCh38, 1-based): chr2:47,790,949, T>A. VCF-style: chr2-47790949-T-A. GRCh37 (hg19) VCF-style: chr2-48018088-T-A.
Other names: c.-454T>A (NM_001281493.2, NM_001406811.1, NM_001406823.1 and 1 more transcripts); c.-620T>A (NM_001281494.2); c.379T>A, p.Leu127Met (NM_001406795.1, NM_001406802.1); c.283T>A, p.Leu95Met (NM_001406796.1, NM_001406798.1, NM_001406800.1 and 6 more transcripts); c.-15T>A (NM_001406797.1, NM_001406801.1, NM_001406805.1 and 10 more transcripts); c.205T>A, p.Leu69Met (NM_001406804.1); c.-646T>A (NM_001406807.1); c.-301T>A (NM_001406812.1); and 6 more; short protein forms L69M, L95M, L127M, L39M.
Identifiers: ClinVar variation 5024851 (VCV005024851.1).

ClinVar aggregate classification (germline): Uncertain significance (1 of 4 stars; one submission).

Conditions:
Hereditary cancer-predisposing syndrome. Also called: Neoplastic Syndromes, Hereditary; Tumor predisposition; Hereditary neoplastic syndrome; Hereditary Cancer Syndrome. Identifiers: Orphanet 140162, MedGen C0027672, MeSH D009386, MONDO:0015356.

gnomAD v4.1: 1 of 1,614,182 alleles (0.000062%); highest among the groups gnomAD compares: Non-Finnish European, 0.000085%; no homozygotes.

Submission:

Ambry Genetics
Classification: Uncertain significance for Hereditary cancer-predisposing syndrome. Last evaluated: 2026-07-06. Review status: criteria provided, single submitter. Criteria: Ambry Variant Classification Scheme 2023. Collection method: clinical testing. Allele origin: germline.
Comment: The p.L95M variant (also known as c.283T>A), located in coding exon 2 of the MSH6 gene, results from a T to A substitution at nucleotide position 283. The leucine at codon 95 is replaced by methionine, an amino acid with highly similar properties. This amino acid position is conserved. In addition, the in silico prediction for this alteration is inconclusive. Based on the available evidence, the clinical significance of this variant remains unclear.